The following is an entry in ClinVar:

NM_033100.4(CDHR1):c.477A>G (p.Ala159=)

Gene: CDHR1 (cadherin related family member 1; plus strand). Cytogenetic location: 10q23.1.
Variant type: single nucleotide variant.
Coding change: c.477A>G on transcript NM_033100.4 (MANE Select); coding-DNA position 477, A replaced by G.
Protein change: p.Ala159=; no amino-acid change (alanine 159 retained).
Molecular consequence: synonymous variant.
Genome position (GRCh38, 1-based): chr10:84,200,639, A>G. VCF-style: chr10-84200639-A-G. GRCh37 (hg19) VCF-style: chr10-85960395-A-G.
Other names: c.477A>G, p.Ala159= (NM_001171971.3).
Identifiers: ClinVar variation 262215 (VCV000262215.23), dbSNP rs4933975, ClinGen allele CA5579549.
Genomic context (GRCh38, chr10:84,200,639, plus strand): 5'-CCTGTGGCTGTGACCCCCTCAGGACATACCTGCTGGGAGCATCATCTTTAAGGTCCATGC[A>G]GTGGACAGGGACACAGGCTCTGGAGGGAGTGTCACCTACTTCCTGCAGGTAAGGCAGGAC-3'
Protein context (NP_149091.1, residues 149-169): PAGSIIFKVH[Ala159=]VDRDTGSGGS

ClinVar aggregate classification (germline): Benign. Review status: criteria provided, multiple submitters, no conflicts (2 of 4 stars). 7 submissions from 7 submitters: Benign (5). 2 of the submissions do not count toward it. Last evaluated 2026-02-03.

Conditions:
Cone-rod dystrophy 15 (CORD15). Identifiers: MedGen C3150912, MONDO:0013348, OMIM 613660.

Allele frequency attached by ClinVar (database versions not stated): gnomAD 0.52188 and 0.52743; gnomAD exomes 0.47389; ExAC 0.49472; TOPMed 0.53663; 1000 Genomes Project 30x 0.51811; 1000 Genomes Project 0.51597; ESP Exome Variant Server 0.52491.
gnomAD v4.1: 752,073 of 1,609,788 alleles (47%); highest among the groups gnomAD compares: African/African-American, 69%; 178,669 homozygotes.

Submissions (7):

Labcorp Genetics (formerly Invitae), Labcorp
Classification: Benign. Last evaluated: 2026-02-03. Review status: criteria provided, single submitter. Criteria: Invitae Variant Classification Sherloc (09022015). Collection method: clinical testing. Allele origin: germline.

Genome-Nilou Lab
Classification: Benign for Cone-rod dystrophy 15. Last evaluated: 2021-07-14. Review status: criteria provided, single submitter. Criteria: ACMG Guidelines, 2015. Collection method: clinical testing. Allele origin: germline. Affected: no.

GeneDx
Classification: Benign. Last evaluated: 2018-04-26. Review status: criteria provided, single submitter. Criteria: GeneDx Variant Classification (06012015). Collection method: clinical testing. Allele origin: germline. Affected: yes.
Comment: This variant is considered likely benign or benign based on one or more of the following criteria: it is a conservative change, it occurs at a poorly conserved position in the protein, it is predicted to be benign by multiple in silico algorithms, and/or has population frequency not consistent with disease.

Breakthrough Genomics
Classification: Benign. Review status: criteria provided, single submitter. Criteria: ACMG Guidelines, 2015. Collection method: not provided. Allele origin: germline. Inheritance: Autosomal recessive inheritance. Affected: yes.

PreventionGenetics, part of Exact Sciences
Classification: Benign. Review status: criteria provided, single submitter. Criteria: ACMG Guidelines, 2015. Collection method: clinical testing. Allele origin: germline.

Diagnostic Laboratory, Department of Genetics, University Medical Center Groningen
Classification: Benign. Review status: no assertion criteria provided. Collection method: clinical testing. Allele origin: germline. Affected: yes. Study: VKGL Data-share Consensus. Not counted in ClinVar's aggregate classification.

Joint Genome Diagnostic Labs from Nijmegen and Maastricht, Radboudumc and MUMC+
Classification: Benign. Review status: no assertion criteria provided. Collection method: clinical testing. Allele origin: germline. Affected: yes. Study: VKGL Data-share Consensus. Not counted in ClinVar's aggregate classification.